The following is an entry in ClinVar:

ClinVar aggregate classification (germline): Uncertain significance. Review status: criteria provided, multiple submitters, no conflicts (2 of 4 stars). 2 submissions from 2 submitters: Uncertain significance (2). Last evaluated 2024-06-03.

Allele frequency attached by ClinVar (database versions not stated): gnomAD 0.00003; ExAC 0.00004; gnomAD exomes 0.00004; ESP Exome Variant Server 0.00008; TOPMed 0.00008.
gnomAD v4.1: 67 of 1,612,284 alleles (0.0042%); highest among the groups gnomAD compares: Middle Eastern, 0.016%; 1 homozygote.

Submissions (2):

GeneDx
Classification: Uncertain significance. Last evaluated: 2024-06-03. Review status: criteria provided, single submitter. Criteria: GeneDx Variant Classification Process June 2021. Collection method: clinical testing. Allele origin: germline. Affected: yes.
Comment: Not observed at significant frequency in large population cohorts (gnomAD); In silico analysis supports that this missense variant has a deleterious effect on protein structure/function; Has not been previously published as pathogenic or benign to our knowledge

Labcorp Genetics (formerly Invitae), Labcorp
Classification: Uncertain significance. Last evaluated: 2022-02-18. Review status: criteria provided, single submitter. Criteria: Invitae Variant Classification Sherloc (09022015). Collection method: clinical testing. Allele origin: germline.
Comment: This sequence change replaces arginine, which is basic and polar, with tryptophan, which is neutral and slightly polar, at codon 1047 of the LTBP4 protein (p.Arg1047Trp). This variant is present in population databases (rs372889517, gnomAD 0.01%), including at least one homozygous and/or hemizygous individual. This variant has not been reported in the literature in individuals affected with LTBP4-related conditions. Experimental studies and prediction algorithms are not available or were not evaluated, and the functional significance of this variant is currently unknown. In summary, the available evidence is currently insufficient to determine the role of this variant in disease. Therefore, it has been classified as a Variant of Uncertain Significance.

NM_001042545.2(LTBP4):c.3049C>T (p.Arg1017Trp)

Gene: LTBP4 (latent transforming growth factor beta binding protein 4; plus strand). Cytogenetic location: 19q13.2.
Variant type: single nucleotide variant.
Coding change: c.3049C>T on transcript NM_001042545.2 (MANE Select); coding-DNA position 3049, C replaced by T.
Protein change: p.Arg1017Trp; replaces arginine 1017 with tryptophan.
Molecular consequence: missense variant.
Genome position (GRCh38, 1-based): chr19:40,617,204, C>T. VCF-style: chr19-40617204-C-T. GRCh37 (hg19) VCF-style: chr19-41123109-C-T.
Other names: c.3139C>T, p.Arg1047Trp (NM_003573.2); c.3250C>T, p.Arg1084Trp (NM_001042544.1); short protein forms R1017W, R1047W, R1084W.
Identifiers: ClinVar variation 2419045 (VCV002419045.4), dbSNP rs372889517, ClinGen allele CA9448883.